The following is an entry in ClinVar:

NM_058216.3(RAD51C):c.905-18_905-16del

Gene: RAD51C (RAD51 paralog C; plus strand). Cytogenetic location: 17q22.
Variant type: Microsatellite.
Coding change: c.905-18_905-16del on transcript NM_058216.3 (MANE Select); 18 bases into the intron before coding-DNA position 905 through 16 bases into the intron before coding-DNA position 905, 3 bases deleted (TAT; older notation c.905-18_905-16delTAT).
Molecular consequence: intron variant.
Genome position (GRCh38, 1-based): chr17:58,724,022-58,724,024, TAT deleted; deleting any 3 consecutive bases within chr17:58,724,018-58,724,024 gives the same sequence; the c. name uses the placement nearest the transcript's 3' end. VCF-style (leftmost placement, unchanged base first): chr17-58724017-GTTA-G. GRCh37 (hg19) VCF-style: chr17-56801378-GTTA-G.
Other names: c.905-18_905-16delTAT (NM_058216.2).
Identifiers: ClinVar variation 492394 (VCV000492394.12), dbSNP rs757889102, ClinGen allele CA8677359.

ClinVar aggregate classification (germline): Likely benign. Review status: criteria provided, multiple submitters, no conflicts (2 of 4 stars). 3 submissions from 3 submitters: Likely benign (3). Last evaluated 2025-12-15.

Conditions:
Hereditary cancer-predisposing syndrome. Also called: Tumor predisposition; Neoplastic Syndromes, Hereditary; Hereditary Cancer Syndrome; Hereditary neoplastic syndrome. Identifiers: Orphanet 140162, MedGen C0027672, MeSH D009386, MONDO:0015356.
Breast-ovarian cancer, familial, susceptibility to, 3. Also called: RAD51C-Related Breast/Ovarian Cancer. Identifiers: Orphanet 145, MedGen C3150659, MONDO:0013253, OMIM 613399.
Fanconi anemia complementation group O. Also called: RAD51C-Related Fanconi Anemia. Identifiers: Orphanet 84, MedGen C3150653, MONDO:0013248, OMIM 613390.

Submissions (3):

Labcorp Genetics (formerly Invitae), Labcorp
Classification: Likely benign for Fanconi anemia complementation group O. Last evaluated: 2025-12-15. Review status: criteria provided, single submitter. Criteria: Invitae Variant Classification Sherloc (09022015). Collection method: clinical testing. Allele origin: germline.

Myriad Genetics, Inc.
Classification: Likely benign for Breast-ovarian cancer, familial, susceptibility to, 3. Last evaluated: 2025-02-19. Review status: criteria provided, single submitter. Criteria: Myriad Autosomal Dominant, Autosomal Recessive and X-Linked Classification Criteria (2023). Collection method: clinical testing. Allele origin: unknown.
Comment: This variant is considered likely benign. This variant is intronic and is not expected to impact mRNA splicing.

Color Diagnostics, LLC DBA Color Health
Classification: Likely benign for Hereditary cancer-predisposing syndrome. Last evaluated: 2016-10-31. Review status: criteria provided, single submitter. Criteria: ACMG Guidelines, 2015. Collection method: clinical testing. Allele origin: germline.